The following is an entry in ClinVar:

ClinVar aggregate classification (germline): Uncertain significance (1 of 4 stars; one submission).

Conditions:
Hereditary cancer-predisposing syndrome. Also called: Neoplastic Syndromes, Hereditary; Tumor predisposition; Hereditary neoplastic syndrome; Hereditary Cancer Syndrome. Identifiers: Orphanet 140162, MedGen C0027672, MeSH D009386, MONDO:0015356.

Submission:

Ambry Genetics
Classification: Uncertain significance for Hereditary cancer-predisposing syndrome. Last evaluated: 2026-07-06. Review status: criteria provided, single submitter. Criteria: Ambry Variant Classification Scheme 2023. Collection method: clinical testing. Allele origin: germline.
Comment: The p.H673N variant (also known as c.2017C>A), located in coding exon 20 of the RB1 gene, results from a C to A substitution at nucleotide position 2017. The histidine at codon 673 is replaced by asparagine, an amino acid with similar properties. This amino acid position is conserved. In addition, the in silico prediction for this alteration is inconclusive. Based on the available evidence, the clinical significance of this variant remains unclear.

NM_000321.3(RB1):c.2017C>A (p.His673Asn)

Gene: RB1 (RB transcriptional corepressor 1; plus strand). Cytogenetic location: 13q14.2.
Variant type: single nucleotide variant.
Coding change: c.2017C>A on transcript NM_000321.3 (MANE Select); coding-DNA position 2017, C replaced by A.
Protein change: p.His673Asn; replaces histidine 673 with asparagine.
Molecular consequence: missense variant.
Genome position (GRCh38, 1-based): chr13:48,459,744, C>A. VCF-style: chr13-48459744-C-A. GRCh37 (hg19) VCF-style: chr13-49033880-C-A.
Other names: c.2017C>A, p.His673Asn (NM_001407165.1); short protein forms H673N.
Identifiers: ClinVar variation 5027944 (VCV005027944.1).